The following is an entry in ClinVar:

NM_001042492.3(NF1):c.7361G>C (p.Ser2454Thr)

Gene: NF1 (neurofibromin 1; plus strand). Cytogenetic location: 17q11.2.
Variant type: single nucleotide variant.
Coding change: c.7361G>C on transcript NM_001042492.3 (MANE Select); coding-DNA position 7361, G replaced by C.
Protein change: p.Ser2454Thr; replaces serine 2454 with threonine.
Molecular consequence: missense variant.
Genome position (GRCh38, 1-based): chr17:31,350,222, G>C. VCF-style: chr17-31350222-G-C. GRCh37 (hg19) VCF-style: chr17-29677240-G-C.
Other names: c.7298G>C, p.Ser2433Thr (NM_000267.4); short protein forms S2433T, S2454T.
Identifiers: ClinVar variation 527481 (VCV000527481.5), dbSNP rs1555536127, ClinGen allele CA399017024.

ClinVar aggregate classification (germline): Uncertain significance (1 of 4 stars; one submission).

Conditions:
Neurofibromatosis, type 1 (NF1). Also called: VON RECKLINGHAUSEN DISEASE; NEUROFIBROMATOSIS, TYPE I, SOMATIC; Peripheral type neurofibromatosis; Neurofibromatosis, type I. Identifiers: Orphanet 636, MedGen C0027831, MONDO:0018975, OMIM 162200. Disease mechanism: loss of function.

Submission:

Labcorp Genetics (formerly Invitae), Labcorp
Classification: Uncertain significance for Neurofibromatosis, type 1. Last evaluated: 2024-07-19. Review status: criteria provided, single submitter. Criteria: Invitae Variant Classification Sherloc (09022015). Collection method: clinical testing. Allele origin: germline.
Comment: This sequence change replaces serine, which is neutral and polar, with threonine, which is neutral and polar, at codon 2433 of the NF1 protein (p.Ser2433Thr). This variant is not present in population databases (gnomAD no frequency). This variant has not been reported in the literature in individuals affected with NF1-related conditions. ClinVar contains an entry for this variant (Variation ID: 527481). Advanced modeling of protein sequence and biophysical properties (such as structural, functional, and spatial information, amino acid conservation, physicochemical variation, residue mobility, and thermodynamic stability) has been performed at Invitae for this missense variant, however the output from this modeling did not meet the statistical confidence thresholds required to predict the impact of this variant on NF1 protein function. In summary, the available evidence is currently insufficient to determine the role of this variant in disease. Therefore, it has been classified as a Variant of Uncertain Significance.